The following is an entry in ClinVar:

ClinVar aggregate classification (germline): Likely pathogenic (1 of 4 stars; one submission).

Conditions:
Neurofibromatosis, type 1 (NF1). Also called: NEUROFIBROMATOSIS, TYPE I, SOMATIC; VON RECKLINGHAUSEN DISEASE; Neurofibromatosis, type I; Peripheral type neurofibromatosis. Identifiers: Orphanet 636, MedGen C0027831, MONDO:0018975, OMIM 162200. Disease mechanism: loss of function.

Submission:

3billion
Classification: Likely pathogenic for Neurofibromatosis, type 1. Last evaluated: 2025-08-22. Review status: criteria provided, single submitter. Criteria: ACMG Guidelines, 2015. Collection method: clinical testing. Allele origin: germline. Affected: yes.
Comment: The variant is not observed in the gnomAD v4.1.0 dataset. Predicted Consequence/Location: Frameshift: predicted to result in a loss or disruption of normal protein function through nonsense-mediated decay (NMD) or protein truncation. Multiple pathogenic variants are reported downstream of the variant. Therefore, this variant is classified as Likely pathogenic according to the recommendation of ACMG/AMP guideline.

NM_001042492.3(NF1):c.5033del (p.Tyr1678fs)

Gene: NF1 (neurofibromin 1; plus strand). Cytogenetic location: 17q11.2.
Variant type: Deletion.
Coding change: c.5033del on transcript NM_001042492.3 (MANE Select); coding-DNA position 5033, one base deleted (A; older notation c.5033delA).
Protein change: p.Tyr1678fs; shifts the reading frame from tyrosine 1678.
Molecular consequence: frameshift variant.
Genome position (GRCh38, 1-based): chr17:31,326,017, A deleted. VCF-style (leftmost placement, unchanged base first): chr17-31326016-TA-T. GRCh37 (hg19) VCF-style: chr17-29653034-TA-T.
Other names: c.4970del, p.Tyr1657fs (NM_000267.4); short protein forms Y1657fs, Y1678fs.
Identifiers: ClinVar variation 4855773 (VCV004855773.1).